The following is an entry in ClinVar:

ClinVar aggregate classification (germline): Benign/Likely benign. Review status: criteria provided, multiple submitters, no conflicts (2 of 4 stars). 3 submissions from 3 submitters: Benign (1); Likely benign (2). Last evaluated 2026-01-01.

Conditions:
Spermatogenic failure 18. Identifiers: MedGen C4539783, MONDO:0054615, OMIM 617576.
Ciliary dyskinesia, primary, 37 (CILD37). Also called: CILIARY DYSKINESIA, PRIMARY, 37, WITH OR WITHOUT SITUS INVERSUS. Identifiers: MedGen C4539798, MONDO:0033204, OMIM 617577.

Allele frequency attached by ClinVar (database versions not stated): gnomAD 0.00004 and 0.00058; TOPMed 0.00014; gnomAD exomes 0.00084 and 0.00178; ExAC 0.00189; 1000 Genomes Project 30x 0.00281; 1000 Genomes Project 0.00319.
gnomAD v4.1: 1,311 of 1,613,050 alleles (0.081%); highest among the groups gnomAD compares: South Asian, 1.4%; 11 homozygotes.

Submissions (3):

CeGaT Center for Human Genetics Tuebingen
Classification: Likely benign. Last evaluated: 2026-01-01. Review status: criteria provided, single submitter. Criteria: CeGaT Center For Human Genetics Tuebingen Variant Classification Criteria Version 2. Collection method: clinical testing. Allele origin: germline. Affected: yes. Observed: 1 variant allele.
Comment: DNAH1: BP4, BS1

Labcorp Genetics (formerly Invitae), Labcorp
Classification: Benign for Ciliary dyskinesia, primary, 37; Spermatogenic failure 18. Last evaluated: 2025-12-28. Review status: criteria provided, single submitter. Criteria: Invitae Variant Classification Sherloc (09022015). Collection method: clinical testing. Allele origin: germline.

Blueprint Genetics
Classification: Likely benign. Last evaluated: 2024-09-12. Review status: criteria provided, single submitter. Criteria: ACMG Guidelines, 2015. Collection method: clinical testing. Allele origin: germline.

NM_015512.5(DNAH1):c.3694-4C>G

Gene: DNAH1 (dynein axonemal heavy chain 1; plus strand). Cytogenetic location: 3p21.1.
Variant type: single nucleotide variant.
Coding change: c.3694-4C>G on transcript NM_015512.5 (MANE Select); 4 bases into the intron before coding-DNA position 3694, C replaced by G.
Molecular consequence: intron variant.
Genome position (GRCh38, 1-based): chr3:52,356,610, C>G. VCF-style: chr3-52356610-C-G. GRCh37 (hg19) VCF-style: chr3-52390626-C-G.
Identifiers: ClinVar variation 478444 (VCV000478444.16), dbSNP rs550254957, ClinGen allele CA2433681.